The following is an entry in ClinVar:

ClinVar aggregate classification (germline): Uncertain significance (1 of 4 stars; one submission).

Allele frequency attached by ClinVar (database versions not stated): ExAC 0.00001.

Submission:

Labcorp Genetics (formerly Invitae), Labcorp
Classification: Uncertain significance. Last evaluated: 2022-08-27. Review status: criteria provided, single submitter. Criteria: Invitae Variant Classification Sherloc (09022015). Collection method: clinical testing. Allele origin: germline.
Comment: In summary, the available evidence is currently insufficient to determine the role of this variant in disease. Therefore, it has been classified as a Variant of Uncertain Significance. Algorithms developed to predict the effect of missense changes on protein structure and function are either unavailable or do not agree on the potential impact of this missense change (SIFT: "Tolerated"; PolyPhen-2: "Possibly Damaging"; Align-GVGD: "Class C0"). This variant has not been reported in the literature in individuals affected with CTR9-related conditions. This variant is present in population databases (rs774293970, gnomAD 0.0009%). This sequence change replaces aspartic acid, which is acidic and polar, with glycine, which is neutral and non-polar, at codon 1139 of the CTR9 protein (p.Asp1139Gly).

NM_014633.5(CTR9):c.3416A>G (p.Asp1139Gly)

Gene: CTR9 (CTR9 component of Paf1/RNA polymerase II complex; plus strand). Cytogenetic location: 11p15.4.
Variant type: single nucleotide variant.
Coding change: c.3416A>G on transcript NM_014633.5 (MANE Select); coding-DNA position 3416, A replaced by G.
Protein change: p.Asp1139Gly; replaces aspartic acid 1139 with glycine.
Molecular consequence: missense variant.
Genome position (GRCh38, 1-based): chr11:10,778,999, A>G. VCF-style: chr11-10778999-A-G. GRCh37 (hg19) VCF-style: chr11-10800546-A-G.
Other names: c.3344A>G, p.Asp1115Gly (NM_001346279.2); short protein forms D1115G, D1139G.
Identifiers: ClinVar variation 2179575 (VCV002179575.4), dbSNP rs774293970, ClinGen allele CA5885584.